The following is an entry in ClinVar:

ClinVar aggregate classification (germline): Uncertain significance (1 of 4 stars; one submission).

gnomAD v4.1: 1 of 1,613,252 alleles (0.000062%); highest among the groups gnomAD compares: Non-Finnish European, 0.000085%; no homozygotes.

Submission:

Labcorp Genetics (formerly Invitae), Labcorp
Classification: Uncertain significance. Last evaluated: 2023-08-03. Review status: criteria provided, single submitter. Criteria: Invitae Variant Classification Sherloc (09022015). Collection method: clinical testing. Allele origin: germline.
Comment: In summary, the available evidence is currently insufficient to determine the role of this variant in disease. Therefore, it has been classified as a Variant of Uncertain Significance. Advanced modeling of protein sequence and biophysical properties (such as structural, functional, and spatial information, amino acid conservation, physicochemical variation, residue mobility, and thermodynamic stability) performed at Invitae indicates that this missense variant is not expected to disrupt SIN3A protein function. This sequence change replaces glycine, which is neutral and non-polar, with aspartic acid, which is acidic and polar, at codon 770 of the SIN3A protein (p.Gly770Asp). This variant is not present in population databases (gnomAD no frequency). This variant has not been reported in the literature in individuals affected with SIN3A-related conditions.

NM_001145358.2(SIN3A):c.2309G>A (p.Gly770Asp)

Gene: SIN3A (SIN3 transcription regulator family member A; minus strand). Cytogenetic location: 15q24.2.
Variant type: single nucleotide variant.
Coding change: c.2309G>A on transcript NM_001145358.2 (MANE Select); coding-DNA position 2309, G replaced by A.
Protein change: p.Gly770Asp; replaces glycine 770 with aspartic acid.
Molecular consequence: missense variant.
Genome position (GRCh38, 1-based): chr15:75,392,784, C>T on the plus strand (G>A on the coding strand, the complement: SIN3A is on the minus strand). VCF-style: chr15-75392784-C-T. GRCh37 (hg19) VCF-style: chr15-75685125-C-T.
Other names: c.2309G>A, p.Gly770Asp (NM_001145357.2, NM_015477.3); short protein forms G770D.
Identifiers: ClinVar variation 2828194 (VCV002828194.3), dbSNP rs2543077563, ClinGen allele CA393492393.